The following is an entry in ClinVar:

ClinVar aggregate classification (germline): Uncertain significance. Review status: criteria provided, multiple submitters, no conflicts (2 of 4 stars). 2 submissions from 2 submitters: Uncertain significance (2). Last evaluated 2025-10-17.

Conditions:
Inborn genetic diseases. Identifiers: MedGen C0950123, MeSH D030342.

Allele frequency attached by ClinVar (database versions not stated): TOPMed below 0.00001; ExAC 0.00001; gnomAD 0.00002.
gnomAD v4.1: 10 of 1,613,918 alleles (0.00062%); highest among the groups gnomAD compares: African/African-American, 0.0013%; no homozygotes.

Submissions (2):

Ambry Genetics
Classification: Uncertain significance for Inborn genetic diseases. Last evaluated: 2025-10-17. Review status: criteria provided, single submitter. Criteria: Ambry Variant Classification Scheme 2023. Collection method: clinical testing. Allele origin: germline.

Labcorp Genetics (formerly Invitae), Labcorp
Classification: Uncertain significance. Last evaluated: 2024-07-30. Review status: criteria provided, single submitter. Criteria: Invitae Variant Classification Sherloc (09022015). Collection method: clinical testing. Allele origin: germline.
Comment: This sequence change replaces arginine, which is basic and polar, with tryptophan, which is neutral and slightly polar, at codon 1675 of the CACNA1D protein (p.Arg1675Trp). This variant is present in population databases (rs761607132, gnomAD 0.008%). This variant has not been reported in the literature in individuals affected with CACNA1D-related conditions. ClinVar contains an entry for this variant (Variation ID: 2131244). An algorithm developed to predict the effect of missense changes on protein structure and function (PolyPhen-2) suggests that this variant is likely to be disruptive. In summary, the available evidence is currently insufficient to determine the role of this variant in disease. Therefore, it has been classified as a Variant of Uncertain Significance.

NM_001128840.3(CACNA1D):c.4963C>T (p.Arg1655Trp)

Gene: CACNA1D (calcium voltage-gated channel subunit alpha1 D; plus strand). Cytogenetic location: 3p21.1.
Variant type: single nucleotide variant.
Coding change: c.4963C>T on transcript NM_001128840.3 (MANE Select); coding-DNA position 4963, C replaced by T.
Protein change: p.Arg1655Trp; replaces arginine 1655 with tryptophan.
Molecular consequence: missense variant.
Genome position (GRCh38, 1-based): chr3:53,800,288, C>T. VCF-style: chr3-53800288-C-T. GRCh37 (hg19) VCF-style: chr3-53834315-C-T.
Other names: c.5023C>T (NM_000720.2); c.5023C>T, p.Arg1675Trp (NM_000720.4); c.4918C>T, p.Arg1640Trp (NM_001128839.3); short protein forms R1675W, R1640W, R1655W.
Identifiers: ClinVar variation 2131244 (VCV002131244.5), dbSNP rs761607132, ClinGen allele CA2455043.
Genomic context (GRCh38, chr3:53,800,288, plus strand): 5'-CTGCCATTTTCATTGATCTAGGCGGGATTAAGGACACTGCATGACATTGGGCCAGAAATC[C>T]GGCGTGCTATATCGTGTGATTTGCAAGATGACGAGCCTGAGGAAACAAAACGAGAAGAAG-3'
Protein context (NP_001122312.1, residues 1645-1665): RTLHDIGPEI[Arg1655Trp]RAISCDLQDD